The following is an entry in ClinVar:

NM_000069.3(CACNA1S):c.1981G>A (p.Val661Met)

Gene: CACNA1S (calcium voltage-gated channel subunit alpha1 S; minus strand). Cytogenetic location: 1q32.1.
Variant type: single nucleotide variant.
Coding change: c.1981G>A on transcript NM_000069.3 (MANE Select); coding-DNA position 1981, G replaced by A.
Protein change: p.Val661Met; replaces valine 661 with methionine.
Molecular consequence: missense variant.
Genome position (GRCh38, 1-based): chr1:201,074,588, C>T on the plus strand (G>A on the coding strand, the complement: CACNA1S is on the minus strand). VCF-style: chr1-201074588-C-T. GRCh37 (hg19) VCF-style: chr1-201043716-C-T.
Other names: short protein forms V661M.
Identifiers: ClinVar variation 473970 (VCV000473970.10), dbSNP rs764736462, ClinGen allele CA35975431.

ClinVar aggregate classification (germline): Uncertain significance. Review status: criteria provided, multiple submitters, no conflicts (2 of 4 stars). 6 submissions from 3 submitters: Uncertain significance (6). Last evaluated 2025-07-07.

Conditions:
Congenital myopathy 18. Also called: DIHYDROPYRIDINE RECEPTOR CONGENITAL MYOPATHY; DHPR CONGENITAL MYOPATHY; Myopathy, congenital, due to dihydropyridine receptor defect. Identifiers: MedGen C5830283, MONDO:0859514, OMIM 620246.
Malignant hyperthermia, susceptibility to, 5 (MHS5). Also called: CACNA1S-Related Malignant Hyperthermia Susceptibility. Identifiers: Orphanet 423, MedGen C1866077, MONDO:0011163, OMIM 601887.
Hypokalemic periodic paralysis, type 1. Also called: HypoPP; Hypokalemic Periodic Paralysis Type 1 (AD). Identifiers: Orphanet 681, MedGen C3714580, MONDO:0042979, OMIM 170400.
Thyrotoxic periodic paralysis, susceptibility to, 1 (TTPP1). Identifiers: Orphanet 79102, MedGen C2749982, MONDO:0008570, OMIM 188580.

Allele frequency attached by ClinVar (database versions not stated): gnomAD exomes below 0.00001; TOPMed 0.00001.
gnomAD v4.1: 13 of 1,613,510 alleles (0.00081%); highest among the groups gnomAD compares: East Asian, 0.0022%; no homozygotes.

Submissions (6):

Labcorp Genetics (formerly Invitae), Labcorp
Classification: Uncertain significance for Hypokalemic periodic paralysis, type 1; Malignant hyperthermia, susceptibility to, 5. Last evaluated: 2025-07-07. Review status: criteria provided, single submitter. Criteria: Invitae Variant Classification Sherloc (09022015). Collection method: clinical testing. Allele origin: germline.
Comment: This sequence change replaces valine, which is neutral and non-polar, with methionine, which is neutral and non-polar, at codon 661 of the CACNA1S protein (p.Val661Met). The frequency data for this variant in the population databases is considered unreliable, as metrics indicate poor data quality at this position in the gnomAD database. This variant has not been reported in the literature in individuals affected with CACNA1S-related conditions. ClinVar contains an entry for this variant (Variation ID: 473970). Invitae Evidence Modeling of protein sequence and biophysical properties (such as structural, functional, and spatial information, amino acid conservation, physicochemical variation, residue mobility, and thermodynamic stability) has been performed for this missense variant. However, the output from this modeling did not meet the statistical confidence thresholds required to predict the impact of this variant on CACNA1S protein function. In summary, the available evidence is currently insufficient to determine the role of this variant in disease. Therefore, it has been classified as a Variant of Uncertain Significance.

Fulgent Genetics
Classification: Uncertain significance for Hypokalemic periodic paralysis, type 1; Thyrotoxic periodic paralysis, susceptibility to, 1; Malignant hyperthermia, susceptibility to, 5; Congenital myopathy 18. Last evaluated: 2024-05-09. Review status: criteria provided, single submitter. Criteria: ACMG Guidelines, 2015. Collection method: clinical testing. Allele origin: germline.

Genome-Nilou Lab
Classification: Uncertain significance for Malignant hyperthermia, susceptibility to, 5. Last evaluated: 2023-04-11. Review status: criteria provided, single submitter. Criteria: ACMG Guidelines, 2015. Collection method: clinical testing. Allele origin: germline. Affected: no.

Genome-Nilou Lab
Classification: Uncertain significance for Thyrotoxic periodic paralysis, susceptibility to, 1. Last evaluated: 2023-04-11. Review status: criteria provided, single submitter. Criteria: ACMG Guidelines, 2015. Collection method: clinical testing. Allele origin: germline. Affected: no.

Genome-Nilou Lab
Classification: Uncertain significance for Congenital myopathy 18. Last evaluated: 2023-04-11. Review status: criteria provided, single submitter. Criteria: ACMG Guidelines, 2015. Collection method: clinical testing. Allele origin: germline. Affected: no.

Genome-Nilou Lab
Classification: Uncertain significance for Hypokalemic periodic paralysis, type 1. Last evaluated: 2023-04-11. Review status: criteria provided, single submitter. Criteria: ACMG Guidelines, 2015. Collection method: clinical testing. Allele origin: germline. Affected: no.